The following is an entry in ClinVar:

ClinVar aggregate classification (germline): Uncertain significance (1 of 4 stars; one submission).

Conditions:
Inborn genetic diseases. Identifiers: MedGen C0950123, MeSH D030342.

Submission:

Ambry Genetics
Classification: Uncertain significance for Inborn genetic diseases. Last evaluated: 2025-03-30. Review status: criteria provided, single submitter. Criteria: Ambry Variant Classification Scheme 2023. Collection method: clinical testing. Allele origin: germline.
Comment: The p.V172M variant (also known as c.514G>A), located in coding exon 4 of the G6PC3 gene, results from a G to A substitution at nucleotide position 514. The valine at codon 172 is replaced by methionine, an amino acid with highly similar properties. This amino acid position is conserved. In addition, this alteration is predicted to be deleterious by in silico analysis. Based on the available evidence, the clinical significance of this variant remains unclear.

NM_138387.4(G6PC3):c.514G>A (p.Val172Met)

Gene: G6PC3 (glucose-6-phosphatase catalytic subunit 3; plus strand). Cytogenetic location: 17q21.31.
Variant type: single nucleotide variant.
Coding change: c.514G>A on transcript NM_138387.4 (MANE Select); coding-DNA position 514, G replaced by A.
Protein change: p.Val172Met; replaces valine 172 with methionine.
Molecular consequence: missense variant. On other transcripts: intron variant (1).
Genome position (GRCh38, 1-based): chr17:44,075,066, G>A. VCF-style: chr17-44075066-G-A. GRCh37 (hg19) VCF-style: chr17-42152434-G-A.
Other names: c.169G>A, p.Val57Met (NM_001384165.1, NM_001384166.1, NM_001384167.1 and 1 more transcripts); c.417-244G>A (NM_001319945.2); short protein forms V172M, V57M.
Identifiers: ClinVar variation 4027570 (VCV004027570.1).